The following is an entry in ClinVar:

NM_004727.3(SLC24A1):c.1984_1985del (p.Leu662fs)

Gene: SLC24A1 (solute carrier family 24 member 1; plus strand). Cytogenetic location: 15q22.31.
Variant type: Microsatellite.
Coding change: c.1984_1985del on transcript NM_004727.3 (MANE Select); coding-DNA positions 1984 to 1985, 2 bases deleted (CT; older notation c.1984_1985delCT).
Protein change: p.Leu662fs; shifts the reading frame from leucine 662.
Molecular consequence: frameshift variant. On other transcripts: intron variant (1).
Genome position (GRCh38, 1-based): chr15:65,639,634-65,639,635, CT deleted; deleting any 2 consecutive bases within chr15:65,639,630-65,639,635 gives the same sequence; the c. name uses the placement nearest the transcript's 3' end. VCF-style (leftmost placement, unchanged base first): chr15-65639629-CCT-C. GRCh37 (hg19) VCF-style: chr15-65931967-CCT-C.
Other names: c.1984_1985del, p.Leu662fs (NM_001301031.1); c.1930_1931del, p.Leu644fs (NM_001301032.1, NM_001301033.2); c.1891-10752CT[2] (NM_001411142.1); short protein forms L644fs, L662fs.
Identifiers: ClinVar variation 4880715 (VCV004880715.2).

ClinVar aggregate classification (germline): Likely pathogenic (1 of 4 stars; one submission).

Conditions:
Congenital stationary night blindness 1D. Also called: Night blindness, congenital stationary (complete), 1D, autosomal recessive. Identifiers: Orphanet 215, MedGen C3151193, MONDO:0013450, OMIM 613830.

Submission:

Dasa
Classification: Likely pathogenic for Congenital stationary night blindness 1D. Last evaluated: 2025-10-17. Review status: criteria provided, single submitter. Criteria: DASA Assertion Criteria. Collection method: clinical testing. Allele origin: germline.
Comment: NM_004727.3(SLC24A1):c.1984_1985del (p.Leu662Alafs*87) is a frameshift variant in SLC24A1 predicted to alter the reading frame and introduce a premature termination codon and is predicted to result in an absent or altered protein product. Loss of function is an established disease mechanism for SLC24A1-associated disorders. Also, this variant is absent from population databases. Based on the currently available evidence, this variant is classified as likely pathogenic.